The following is an entry in ClinVar:

ClinVar aggregate classification (germline): Uncertain significance (1 of 4 stars; one submission).

Submission:

Labcorp Genetics (formerly Invitae), Labcorp
Classification: Uncertain significance. Last evaluated: 2022-01-15. Review status: criteria provided, single submitter. Criteria: Invitae Variant Classification Sherloc (09022015). Collection method: clinical testing. Allele origin: germline.
Comment: Algorithms developed to predict the effect of sequence changes on RNA splicing suggest that this variant may create or strengthen a splice site. This variant has not been reported in the literature in individuals affected with STN1-related conditions. This variant is not present in population databases (gnomAD no frequency). This sequence change inserts a large fragment of DNA, likely a transposable element, in exon 5 of the STN1 gene (c.352_353ins?), causing a frameshift at codon 118 (p.Glu118fs). The exact size and sequence of the insertion cannot be determined by the current assay. However, the insertion is expected to result in an absent or disrupted protein product. Retrotransposon insertions including LINE1 (L1), Alu, and SVA (SINE-VNTR-Alu) have been reported to disrupt protein function (PMID: 19763152, 20307669, 22406018). However the effect of this particular variant is unknown. In summary, the available evidence is currently insufficient to determine the role of this variant in disease. Therefore, it has been classified as a Variant of Uncertain Significance.

Literature cited by the submitters: PubMed 19763152; PubMed 20307669; PubMed 22406018.

NM_024928.5(STN1):c.340_352AAG[2]CTACAAGGCCGGGCGCGGTGGCTCACGACAGTAATCCAAGCACGTAGGGACGCCGAGGCGGGTGGATAAGGAGGACACGAGAAAGANNNNNNNNNNAAAAAAAAAAAAAAAAAAAAAAGAAGCTACAAG[1] (p.Glu118delinsGlyArgAlaArgTrpLeuThrThrValIleGlnAlaArgArgAspAlaGluAlaGlyGlyTer)

Gene: STN1 (STN1 subunit of CST complex; minus strand). Cytogenetic location: 10q24.33.
Variant type: Insertion.
Coding change: c.340_352AAG[2]CTACAAGGCCGGGCGCGGTGGCTCACGACAGTAATCCAAGCACGTAGGGACGCCGAGGCGGGTGGATAAGGAGGACACGAGAAAGANNNNNNNNNNAAAAAAAAAAAAAAAAAAAAAAGAAGCTACAAG[1] on transcript NM_024928.5 (MANE Select).
Protein change: p.Glu118delinsGlyArgAlaArgTrpLeuThrThrValIleGlnAlaArgArgAspAlaGluAlaGlyGlyTer.
Molecular consequence: nonsense.
Genome position: GRCh38: chr10:103,900,179-103,900,180. GRCh37 (hg19): chr10:105,659,937-105,659,938.
Identifiers: ClinVar variation 1513408 (VCV001513408.6), dbSNP rs2134366744.